The following is an entry in ClinVar:

NM_052876.4(NACC1):c.626C>T (p.Pro209Leu)

Gene: NACC1 (nucleus accumbens associated 1; plus strand). Cytogenetic location: 19p13.13.
Variant type: single nucleotide variant.
Coding change: c.626C>T on transcript NM_052876.4 (MANE Select); coding-DNA position 626, C replaced by T.
Protein change: p.Pro209Leu; replaces proline 209 with leucine.
Molecular consequence: missense variant.
Genome position (GRCh38, 1-based): chr19:13,135,833, C>T. VCF-style: chr19-13135833-C-T. GRCh37 (hg19) VCF-style: chr19-13246647-C-T.
Other names: short protein forms P209L.
Identifiers: ClinVar variation 2873253 (VCV002873253.5), dbSNP rs1283285154, ClinGen allele CA404325779.

ClinVar aggregate classification (germline): Conflicting classifications of pathogenicity. Review status: criteria provided, conflicting classifications (1 of 4 stars). 2 submissions from 2 submitters: Uncertain significance (1); Benign (1). Last evaluated 2025-01-28.

Allele frequency attached by ClinVar (database versions not stated): TOPMed below 0.00001; gnomAD 0.00001.
gnomAD v4.1: 25 of 1,552,990 alleles (0.0016%); highest among the groups gnomAD compares: East Asian, 0.0072%; no homozygotes.

Submissions (2):

Dasa
Classification: Uncertain significance. Last evaluated: 2025-01-28. Review status: criteria provided, single submitter. Criteria: DASA Assertion Criteria. Collection method: clinical testing. Allele origin: germline.
Comment: NM_052876.4(NACC1):c.626C>T (p.Pro209Leu) is a missense variant that results in the substitution of proline with leucine. This variant is rare in population databases. Computational prediction algorithms are consistent with a benign effect. The currently available literature and clinical evidence are not sufficient to establish a definitive association between this variant and the reported condition. Therefore, this variant is classified as a variant of uncertain significance.

Labcorp Genetics (formerly Invitae), Labcorp
Classification: Benign. Last evaluated: 2024-10-27. Review status: criteria provided, single submitter. Criteria: Invitae Variant Classification Sherloc (09022015). Collection method: clinical testing. Allele origin: germline.